The following is an entry in ClinVar:

NM_024675.4(PALB2):c.477G>C (p.Glu159Asp)

Gene: PALB2 (partner and localizer of BRCA2; minus strand). Cytogenetic location: 16p12.2.
Variant type: single nucleotide variant.
Coding change: c.477G>C on transcript NM_024675.4 (MANE Select); coding-DNA position 477, G replaced by C.
Protein change: p.Glu159Asp; replaces glutamic acid 159 with aspartic acid.
Molecular consequence: missense variant. On other transcripts: intron variant (3), 5 prime UTR variant (8).
Genome position (GRCh38, 1-based): chr16:23,636,069, C>G on the plus strand (G>C on the coding strand, the complement: PALB2 is on the minus strand). VCF-style: chr16-23636069-C-G. GRCh37 (hg19) VCF-style: chr16-23647390-C-G.
Other names: c.-105+5041G>C (NM_001407313.1, NM_001407312.1); c.48+5041G>C (NM_001407314.1); c.417G>C, p.Glu139Asp (NM_001407296.1); c.477G>C, p.Glu159Asp (NM_001407297.1, NM_001407298.1, NM_001407299.1 and 3 more transcripts); c.-409G>C (NM_001407304.1, NM_001407305.1, NM_001407306.1 and 5 more transcripts); short protein forms E139D, E159D.
Identifiers: ClinVar variation 3906175 (VCV003906175.1).
Genomic context (GRCh38, chr16:23,636,069, plus strand): 5'-CTGTTCCTTTAGTCTTTTCCCAGACAATCTGAGTGAATCAGTGCCAAAGACACAGTCTCT[C>G]TCCTGTGAAATAAATGTCCTCTTCTGCTGCTTCTTTCTTCTGCTTGGCAGCTTCTGCTTT-3'
Protein context (NP_078951.2, residues 149-169): KQQKRTFISQ[Glu159Asp]RDCVFGTDSL

ClinVar aggregate classification (germline): Uncertain significance (1 of 4 stars; one submission).

Conditions:
Hereditary cancer-predisposing syndrome. Also called: Hereditary Cancer Syndrome; Hereditary neoplastic syndrome; Neoplastic Syndromes, Hereditary; Tumor predisposition. Identifiers: Orphanet 140162, MedGen C0027672, MeSH D009386, MONDO:0015356.

Submission:

Hereditary Cancer Laboratory, Hospital Universitario 12 de Octubre
Classification: Uncertain significance for Hereditary cancer-predisposing syndrome. Last evaluated: 2025-03-03. Review status: criteria provided, single submitter. Criteria: ACMG Guidelines, 2015. Collection method: clinical testing. Allele origin: germline.
Comment: PM2 + BP4